The following is an entry in ClinVar:

NM_000165.5(GJA1):c.971G>A (p.Gly324Glu)

Gene: GJA1 (gap junction protein alpha 1; plus strand). Cytogenetic location: 6q22.31.
Variant type: single nucleotide variant.
Coding change: c.971G>A on transcript NM_000165.5 (MANE Select); coding-DNA position 971, G replaced by A.
Protein change: p.Gly324Glu; replaces glycine 324 with glutamic acid.
Molecular consequence: missense variant.
Genome position (GRCh38, 1-based): chr6:121,447,818, G>A. VCF-style: chr6-121447818-G-A. GRCh37 (hg19) VCF-style: chr6-121768964-G-A.
Other names: short protein forms G324E.
Identifiers: ClinVar variation 1717633 (VCV001717633.5), dbSNP rs753470523, ClinGen allele CA146810039.

ClinVar aggregate classification (germline): Uncertain significance (1 of 4 stars; one submission).

Conditions:
Oculodentodigital dysplasia, autosomal recessive. Also called: OCULODENTOOSSEOUS DYSPLASIA, AUTOSOMAL RECESSIVE; ODDD, AUTOSOMAL RECESSIVE; ODOD, AUTOSOMAL RECESSIVE. Identifiers: Orphanet 2710, MedGen C2749477, MONDO:0009768, OMIM 257850.

Allele frequency attached by ClinVar (database versions not stated): gnomAD 0.00001; TOPMed 0.00001.

Submission:

Labcorp Genetics (formerly Invitae), Labcorp
Classification: Uncertain significance for Oculodentodigital dysplasia, autosomal recessive. Last evaluated: 2022-08-31. Review status: criteria provided, single submitter. Criteria: Invitae Variant Classification Sherloc (09022015). Collection method: clinical testing. Allele origin: germline.
Comment: This sequence change replaces glycine, which is neutral and non-polar, with glutamic acid, which is acidic and polar, at codon 324 of the GJA1 protein (p.Gly324Glu). This variant is not present in population databases (gnomAD no frequency). This variant has not been reported in the literature in individuals affected with GJA1-related conditions. Algorithms developed to predict the effect of missense changes on protein structure and function are either unavailable or do not agree on the potential impact of this missense change (SIFT: "Deleterious"; PolyPhen-2: "Possibly Damaging"; Align-GVGD: "Class C0"). In summary, the available evidence is currently insufficient to determine the role of this variant in disease. Therefore, it has been classified as a Variant of Uncertain Significance.